The following is an entry in ClinVar:

NM_001035.3(RYR2):c.9373G>C (p.Asp3125His)

Gene: RYR2 (ryanodine receptor 2; plus strand). Cytogenetic location: 1q43.
Variant type: single nucleotide variant.
Coding change: c.9373G>C on transcript NM_001035.3 (MANE Select); coding-DNA position 9373, G replaced by C.
Protein change: p.Asp3125His; replaces aspartic acid 3125 with histidine.
Molecular consequence: missense variant.
Genome position (GRCh38, 1-based): chr1:237,701,983, G>C. VCF-style: chr1-237701983-G-C. GRCh37 (hg19) VCF-style: chr1-237865283-G-C.
Other names: c.9373G>C (NM_001035.2); short protein forms D3125H.
Identifiers: ClinVar variation 3622473 (VCV003622473.3).

ClinVar aggregate classification (germline): Conflicting classifications of pathogenicity. Review status: criteria provided, conflicting classifications (1 of 4 stars). 2 submissions from 2 submitters: Uncertain significance (1); Likely benign (1). Last evaluated 2026-08-03.

Conditions:
Catecholaminergic polymorphic ventricular tachycardia 1. Also called: VENTRICULAR TACHYCARDIA, CATECHOLAMINERGIC POLYMORPHIC, 1, WITH OR WITHOUT ATRIAL DYSFUNCTION AND/OR DILATED CARDIOMYOPATHY; VENTRICULAR TACHYCARDIA, STRESS-INDUCED POLYMORPHIC 1; RYR2-Related Catecholaminergic Polymorphic Ventricular Tachycardia. Identifiers: Orphanet 3286, MedGen C1631597, MONDO:0011484, OMIM 604772.
Cardiovascular phenotype. Identifiers: MedGen CN230736.

gnomAD v4.1: 1 of 1,590,450 alleles (0.000063%); highest among the groups gnomAD compares: African/African-American, 0.0013%; no homozygotes.

Submissions (2):

Ambry Genetics
Classification: Uncertain significance for Cardiovascular phenotype. Last evaluated: 2026-08-03. Review status: criteria provided, single submitter. Criteria: Ambry Variant Classification Scheme 2023. Collection method: clinical testing. Allele origin: germline.
Comment: The p.D3125H variant (also known as c.9373G>C), located in coding exon 66 of the RYR2 gene, results from a G to C substitution at nucleotide position 9373. The aspartic acid at codon 3125 is replaced by histidine, an amino acid with similar properties. This amino acid position is conserved. In addition, the in silico prediction for this alteration is inconclusive. Based on the available evidence, the clinical significance of this variant remains unclear.

Labcorp Genetics (formerly Invitae), Labcorp
Classification: Likely benign for Catecholaminergic polymorphic ventricular tachycardia 1. Last evaluated: 2025-08-03. Review status: criteria provided, single submitter. Criteria: Invitae Variant Classification Sherloc (09022015). Collection method: clinical testing. Allele origin: germline.